The following is an entry in ClinVar:

ClinVar aggregate classification (germline): Conflicting classifications of pathogenicity. Review status: criteria provided, conflicting classifications (1 of 4 stars). 3 submissions from 3 submitters: Pathogenic (1); Uncertain significance (2). Last evaluated 2026-01-12.

Conditions:
IMPG2-related disorder. Also called: IMPG2-related condition.
IMPG2-related disorders.

Allele frequency attached by ClinVar (database versions not stated): gnomAD exomes below 0.00001; gnomAD 0.00001; TOPMed 0.00001; ESP Exome Variant Server 0.00008.
gnomAD v4.1: 2 of 1,613,132 alleles (0.00012%); highest among the groups gnomAD compares: Non-Finnish European, 0.00017%; no homozygotes.

Submissions (3):

Labcorp Genetics (formerly Invitae), Labcorp
Classification: Uncertain significance. Last evaluated: 2026-01-12. Review status: criteria provided, single submitter. Criteria: Invitae Variant Classification Sherloc (09022015). Collection method: clinical testing. Allele origin: germline.
Comment: This sequence change falls in intron 12 of the IMPG2 gene. It does not directly change the encoded amino acid sequence of the IMPG2 protein. It affects a nucleotide within the consensus splice site. This variant is present in population databases (rs375172482, gnomAD 0.0009%). This variant has not been reported in the literature in individuals affected with IMPG2-related conditions. ClinVar contains an entry for this variant (Variation ID: 849261). Variants that disrupt the consensus splice site are a relatively common cause of aberrant splicing (PMID: 17576681, 9536098). Algorithms developed to predict the effect of sequence changes on RNA splicing suggest that this variant may disrupt the consensus splice site. In summary, the available evidence is currently insufficient to determine the role of this variant in disease. Therefore, it has been classified as a Variant of Uncertain Significance.

PreventionGenetics, part of Exact Sciences
Classification: Uncertain significance for IMPG2-related condition. Last evaluated: 2025-10-27. Review status: criteria provided, single submitter. Criteria: ACMG Guidelines, 2015. Collection method: clinical testing. Allele origin: germline.
Comment: The IMPG2 c.1543+5G>C variant is predicted to interfere with splicing. This variant is predicted to alter splicing based on available splicing prediction programs (SpliceAI, Jaganathan et al. 2019. PubMed ID: 30661751). However, the use of computer prediction programs is not equivalent to functional evidence. To our knowledge, this variant has not been reported in the literature. This variant is reported in 0.00089% of alleles in individuals of European (Non-Finnish) descent in gnomAD. At this time, the clinical significance of this variant is uncertain due to the absence of conclusive functional and genetic evidence.

Blueprint Genetics
Classification: Pathogenic for IMPG2-related disorders. Last evaluated: 2023-11-01. Review status: criteria provided, single submitter. Criteria: ACMG Guidelines, 2015. Collection method: clinical testing. Allele origin: germline. Affected: yes. Observed: 5 variant alleles.

Literature cited by the submitters: PubMed 17576681 (cited by Labcorp Genetics (formerly Invitae), Labcorp); PubMed 9536098 (cited by Labcorp Genetics (formerly Invitae), Labcorp).

NM_016247.4(IMPG2):c.1543+5G>C

Gene: IMPG2 (interphotoreceptor matrix proteoglycan 2; minus strand). Cytogenetic location: 3q12.3.
Variant type: single nucleotide variant.
Coding change: c.1543+5G>C on transcript NM_016247.4 (MANE Select); 5 bases into the intron after coding-DNA position 1543, G replaced by C.
Molecular consequence: intron variant.
Genome position (GRCh38, 1-based): chr3:101,245,797, C>G on the plus strand (G>C on the coding strand, the complement: IMPG2 is on the minus strand). VCF-style: chr3-101245797-C-G. GRCh37 (hg19) VCF-style: chr3-100964641-C-G.
Identifiers: ClinVar variation 849261 (VCV000849261.11), dbSNP rs375172482, ClinGen allele CA79724826.